The following is an entry in ClinVar:

NM_001379110.1(SLC9A6):c.16G>A (p.Val6Met)

Gene: SLC9A6 (solute carrier family 9 member A6; plus strand). Cytogenetic location: Xq26.3.
Variant type: single nucleotide variant.
Coding change: c.16G>A on transcript NM_001379110.1 (MANE Select); coding-DNA position 16, G replaced by A.
Protein change: p.Val6Met; replaces valine 6 with methionine.
Molecular consequence: missense variant.
Genome position (GRCh38, 1-based): chrX:135,985,674, G>A. VCF-style: chrX-135985674-G-A. GRCh37 (hg19) VCF-style: chrX-135067833-G-A.
Other names: c.172G>A, p.Val58Met (NM_001042537.2, NM_001438742.1, NM_006359.3); c.16G>A, p.Val6Met (NM_001177651.2, NM_001400910.1, NM_001400911.1 and 4 more transcripts); short protein forms V58M, V6M.
Identifiers: ClinVar variation 5020999 (VCV005020999.1).
Genomic context (GRCh38, chrX:135,985,674, plus strand): 5'-GACTGGGCAGGGGCTTCGGACGGCGGCGGCGGAGAGGCTAGAGCCATGGACGAGGAGATC[G>A]TGTCCGAGAAGCAAGCCGAGGAGAGCCACCGGCAGGACAGCGCCAACCTGCTCATCTTCA-3'
Protein context (NP_001366039.1, residues 1-16): MDEEI[Val6Met]SEKQAEESHR

ClinVar aggregate classification (germline): Uncertain significance (1 of 4 stars; one submission).

Submission:

Dasa
Classification: Uncertain significance. Last evaluated: 2025-02-19. Review status: criteria provided, single submitter. Criteria: DASA Assertion Criteria. Collection method: clinical testing. Allele origin: germline.
Comment: NM_001379110.1(SLC9A6):c.16G>A (p.Val6Met) is a missense variant that results in the substitution of valine with methionine. This variant is absent from population databases. Computational prediction algorithms are consistent with a benign effect. The currently available literature and clinical evidence are not sufficient to establish a definitive association between this variant and the reported condition. Therefore, this variant is classified as a variant of uncertain significance.